The following is an entry in ClinVar:

NM_001999.4(FBN2):c.3672G>A (p.Gln1224=)

Gene: FBN2 (fibrillin 2; minus strand). Cytogenetic location: 5q23.3.
Variant type: single nucleotide variant.
Coding change: c.3672G>A on transcript NM_001999.4 (MANE Select); coding-DNA position 3672, G replaced by A.
Protein change: p.Gln1224=; no amino-acid change (glutamine 1224 retained).
Molecular consequence: synonymous variant.
Genome position (GRCh38, 1-based): chr5:128,336,040, C>T on the plus strand (G>A on the coding strand, the complement: FBN2 is on the minus strand). VCF-style: chr5-128336040-C-T. GRCh37 (hg19) VCF-style: chr5-127671732-C-T.
Identifiers: ClinVar variation 3901533 (VCV003901533.1).
Genomic context (GRCh38, chr5:128,336,040, plus strand): 5'-CCCCTTACCTGTACAGCCCTGGCGGTCTGGCGTAGCCTGATATCCAGGATTGCAAGAGCA[C>T]TGATAGGTTCCAATCATGTTCACACATTTTCCATTTCTGCAGAGATTGTCACTCAGGGAG-3'
Protein context (NP_001990.2, residues 1214-1234): GKCVNMIGTY[Gln1224=]CSCNPGYQAT

ClinVar aggregate classification (germline): Likely benign (1 of 4 stars; one submission).

gnomAD v4.1: 2 of 1,614,012 alleles (0.00012%); no homozygotes.

Submission:

GeneDx
Classification: Likely benign. Last evaluated: 2024-12-04. Review status: criteria provided, single submitter. Criteria: GeneDx Variant Classification Process June 2021. Collection method: clinical testing. Allele origin: germline. Affected: yes.
Comment: See Variant Classification Assertion Criteria.